The following is an entry in ClinVar:

NM_001360016.2(G6PD):c.221G>A (p.Arg74His)

Gene: G6PD (glucose-6-phosphate dehydrogenase; minus strand). Cytogenetic location: Xq28.
Variant type: single nucleotide variant.
Coding change: c.221G>A on transcript NM_001360016.2 (MANE Select); coding-DNA position 221, G replaced by A.
Protein change: p.Arg74His; replaces arginine 74 with histidine.
Molecular consequence: missense variant.
Genome position (GRCh38, 1-based): chrX:154,535,983, C>T on the plus strand (G>A on the coding strand, the complement: G6PD is on the minus strand). VCF-style: chrX-154535983-C-T. GRCh37 (hg19) VCF-style: chrX-153764198-C-T.
Other names: c.311G>A, p.Arg104His (NM_000402.4); c.221G>A, p.Arg74His (NM_001042351.3); short protein forms R74H, R104H.
Identifiers: ClinVar variation 2170609 (VCV002170609.1), dbSNP rs782764007, ClinGen allele CA10566299.

ClinVar aggregate classification (germline): Uncertain significance (1 of 4 stars; one submission).

Conditions:
Anemia, nonspherocytic hemolytic, due to G6PD deficiency (CNSHA1). Also called: Hemolytic anemia due to G6PD deficiency; ANEMIA, CONGENITAL, NONSPHEROCYTIC HEMOLYTIC, 1; Class I glucose-6-phosphate dehydrogenase deficiency; Favism, susceptibility to. Identifiers: Orphanet 466026, MedGen C2720289, MONDO:0010480, OMIM 300908.

Allele frequency attached by ClinVar (database versions not stated): ExAC 0.00001; TOPMed 0.00001; gnomAD 0.00004; gnomAD exomes 0.00005.
gnomAD v4.1: 53 of 1,210,162 alleles (0.0044%); highest among the groups gnomAD compares: South Asian, 0.007%; no homozygotes.

Submission:

Labcorp Genetics (formerly Invitae), Labcorp
Classification: Uncertain significance for Anemia, nonspherocytic hemolytic, due to G6PD deficiency. Last evaluated: 2022-05-19. Review status: criteria provided, single submitter. Criteria: Invitae Variant Classification Sherloc (09022015). Collection method: clinical testing. Allele origin: germline.
Comment: This sequence change replaces arginine, which is basic and polar, with histidine, which is basic and polar, at codon 74 of the G6PD protein (p.Arg74His). This variant is present in population databases (rs782764007, gnomAD 0.001%). This variant has not been reported in the literature in individuals affected with G6PD-related conditions. Advanced modeling of protein sequence and biophysical properties (such as structural, functional, and spatial information, amino acid conservation, physicochemical variation, residue mobility, and thermodynamic stability) performed at Invitae indicates that this missense variant is not expected to disrupt G6PD protein function. In summary, the available evidence is currently insufficient to determine the role of this variant in disease. Therefore, it has been classified as a Variant of Uncertain Significance.